The following is an entry in ClinVar:

ClinVar aggregate classification (germline): Uncertain significance (1 of 4 stars; one submission).

Conditions:
Congenital myasthenic syndrome 4A. Also called: Myasthenic syndrome, congenital, 4a, slow-channel; MYASTHENIC SYNDROME, CONGENITAL, 4A, SLOW-CHANNEL, AUTOSOMAL RECESSIVE; CONGENITAL MYASTHENIC SYNDROME TYPE Ia1. Identifiers: Orphanet 590, MedGen C4225413, MONDO:0011600, OMIM 605809.

gnomAD v4.1: 2 of 1,608,108 alleles (0.00012%); highest among the groups gnomAD compares: Admixed American, 0.0033%; no homozygotes.

Submission:

Labcorp Genetics (formerly Invitae), Labcorp
Classification: Uncertain significance for Congenital myasthenic syndrome 4A. Last evaluated: 2022-03-20. Review status: criteria provided, single submitter. Criteria: Invitae Variant Classification Sherloc (09022015). Collection method: clinical testing. Allele origin: germline.
Comment: This variant has not been reported in the literature in individuals affected with CHRNE-related conditions. In summary, the available evidence is currently insufficient to determine the role of this variant in disease. Therefore, it has been classified as a Variant of Uncertain Significance. Advanced modeling of protein sequence and biophysical properties (such as structural, functional, and spatial information, amino acid conservation, physicochemical variation, residue mobility, and thermodynamic stability) performed at Invitae indicates that this missense variant is not expected to disrupt CHRNE protein function. This variant is not present in population databases (gnomAD no frequency). This sequence change replaces phenylalanine, which is neutral and non-polar, with leucine, which is neutral and non-polar, at codon 209 of the CHRNE protein (p.Phe209Leu).

NM_000080.4(CHRNE):c.627C>G (p.Phe209Leu)

Genes: C17orf107 (chromosome 17 open reading frame 107; plus strand), CHRNE (cholinergic receptor nicotinic epsilon subunit; minus strand). Cytogenetic location: 17p13.2.
Variant type: single nucleotide variant.
Coding change: c.627C>G on transcript NM_000080.4 (MANE Select); coding-DNA position 627, C replaced by G.
Protein change: p.Phe209Leu; replaces phenylalanine 209 with leucine.
Molecular consequence: missense variant. On other transcripts: 3 prime UTR variant (1).
Genome position (GRCh38, 1-based): chr17:4,901,165, G>C on the plus strand (C>G on the coding strand, the complement: CHRNE is on the minus strand). VCF-style: chr17-4901165-G-C. GRCh37 (hg19) VCF-style: chr17-4804460-G-C.
Other names: c.*632G>C (NM_001145536.2); short protein forms F209L.
Identifiers: ClinVar variation 2178789 (VCV002178789.4), dbSNP rs1168685337, ClinGen allele CA397305247.